The following is an entry in ClinVar:

NM_020822.3(KCNT1):c.3504C>T (p.Asp1168=)

Gene: KCNT1 (potassium sodium-activated channel subfamily T member 1; plus strand). Cytogenetic location: 9q34.3.
Variant type: single nucleotide variant.
Coding change: c.3504C>T on transcript NM_020822.3 (MANE Select); coding-DNA position 3504, C replaced by T.
Protein change: p.Asp1168=; no amino-acid change (aspartic acid 1168 retained).
Molecular consequence: synonymous variant.
Genome position (GRCh38, 1-based): chr9:135,791,798, C>T. VCF-style: chr9-135791798-C-T. GRCh37 (hg19) VCF-style: chr9-138683644-C-T.
Other names: c.3432C>T, p.Asp1144= (NM_001272003.2).
Identifiers: ClinVar variation 513847 (VCV000513847.37), dbSNP rs761504279, ClinGen allele CA5327932.

ClinVar aggregate classification (germline): Likely benign. Review status: criteria provided, multiple submitters, no conflicts (2 of 4 stars). 6 submissions from 5 submitters: Likely benign (6). Last evaluated 2025-08-30.

Conditions:
Autosomal dominant nocturnal frontal lobe epilepsy 5. Also called: CILIARY DYSKINESIA, PRIMARY, 28, WITHOUT SITUS INVERSUS; CILIARY DYSKINESIA, PRIMARY, 28, WITH SITUS INVERSUS; KCNT1-Related Epilepsy; Epilepsy, nocturnal frontal lobe, 5. Identifiers: Orphanet 98784, MedGen C3554306, MONDO:0014002, OMIM 615005.
Inborn genetic diseases. Identifiers: MedGen C0950123, MeSH D030342.
Developmental and epileptic encephalopathy, 14 (DEE14). Also called: Early infantile epileptic encephalopathy 14. Identifiers: Orphanet 293181, MedGen C3554195, MONDO:0013989, OMIM 614959.

Allele frequency attached by ClinVar (database versions not stated): ExAC 0.00001; gnomAD exomes 0.00002 and 0.00003; gnomAD 0.00004; TOPMed 0.00005.
gnomAD v4.1: 51 of 1,613,502 alleles (0.0032%); highest among the groups gnomAD compares: South Asian, 0.0055%; no homozygotes.

Submissions (6):

Ambry Genetics
Classification: Likely benign for Inborn genetic diseases. Last evaluated: 2025-08-30. Review status: criteria provided, single submitter. Criteria: Ambry Variant Classification Scheme 2023. Collection method: clinical testing. Allele origin: germline.

Labcorp Genetics (formerly Invitae), Labcorp
Classification: Likely benign for Autosomal dominant nocturnal frontal lobe epilepsy 5; Developmental and epileptic encephalopathy, 14. Last evaluated: 2025-08-04. Review status: criteria provided, single submitter. Criteria: Invitae Variant Classification Sherloc (09022015). Collection method: clinical testing. Allele origin: germline.

CeGaT Center for Human Genetics Tuebingen
Classification: Likely benign. Last evaluated: 2022-07-01. Review status: criteria provided, single submitter. Criteria: CeGaT Center For Human Genetics Tuebingen Variant Classification Criteria Version 2. Collection method: clinical testing. Allele origin: germline. Affected: yes. Observed: 1 variant allele.
Comment: KCNT1: BP4, BP7

Genome-Nilou Lab
Classification: Likely benign for Developmental and epileptic encephalopathy, 14. Last evaluated: 2022-03-15. Review status: criteria provided, single submitter. Criteria: ACMG Guidelines, 2015. Collection method: clinical testing. Allele origin: germline. Affected: no.

Genome-Nilou Lab
Classification: Likely benign for Autosomal dominant nocturnal frontal lobe epilepsy 5. Last evaluated: 2022-03-15. Review status: criteria provided, single submitter. Criteria: ACMG Guidelines, 2015. Collection method: clinical testing. Allele origin: germline. Affected: no.

GeneDx
Classification: Likely benign. Last evaluated: 2020-10-05. Review status: criteria provided, single submitter. Criteria: GeneDx Variant Classification Process June 2021. Collection method: clinical testing. Allele origin: germline. Affected: yes.